The following is an entry in ClinVar:

ClinVar aggregate classification (germline): Uncertain significance (1 of 4 stars; one submission).

Conditions:
Inborn genetic diseases. Identifiers: MedGen C0950123, MeSH D030342.

Allele frequency attached by ClinVar (database versions not stated): gnomAD exomes below 0.00001.
gnomAD v4.1: 1 of 1,614,032 alleles (0.000062%); highest among the groups gnomAD compares: Non-Finnish European, 0.000085%; no homozygotes.

Submission:

Ambry Genetics
Classification: Uncertain significance for Inborn genetic diseases. Last evaluated: 2022-03-27. Review status: criteria provided, single submitter. Criteria: Ambry Variant Classification Scheme 2023. Collection method: clinical testing. Allele origin: germline.
Comment: The p.A194V variant (also known as c.581C>T), located in coding exon 6 of the RAD51 gene, results from a C to T substitution at nucleotide position 581. The alanine at codon 194 is replaced by valine, an amino acid with similar properties. This amino acid position is conserved. In addition, this alteration is predicted to be tolerated by in silico analysis. Since supporting evidence is limited at this time, the clinical significance of this alteration remains unclear.

NM_002875.5(RAD51):c.581C>T (p.Ala194Val)

Gene: RAD51 (RAD51 recombinase; plus strand). Cytogenetic location: 15q15.1.
Variant type: single nucleotide variant.
Coding change: c.581C>T on transcript NM_002875.5 (MANE Select); coding-DNA position 581, C replaced by T.
Protein change: p.Ala194Val; replaces alanine 194 with valine.
Molecular consequence: missense variant.
Genome position (GRCh38, 1-based): chr15:40,728,761, C>T. VCF-style: chr15-40728761-C-T. GRCh37 (hg19) VCF-style: chr15-41020959-C-T.
Other names: c.584C>T, p.Ala195Val (NM_001164269.2, NM_133487.4); c.581C>T, p.Ala194Val (NM_001164270.2); short protein forms A195V, A194V.
Identifiers: ClinVar variation 1749881 (VCV001749881.2), dbSNP rs1896717991, ClinGen allele CA391757261.
Genomic context (GRCh38, chr15:40,728,761, plus strand): 5'-TCTCTCATAGGTATGGTCTCTCTGGCAGTGATGTCCTGGATAATGTAGCATATGCTCGAG[C>T]GTTCAACACAGACCACCAGACCCAGCTCCTTTATCAAGCATCAGCCATGATGGTAGAATC-3'
Protein context (NP_002866.2, residues 184-204): DVLDNVAYAR[Ala194Val]FNTDHQTQLL